The following is an entry in ClinVar:

ClinVar aggregate classification (germline): Pathogenic (1 of 4 stars; one submission).

Conditions:
ZTTK syndrome (ZTTKS). Also called: ZTTK MULTIPLE CONGENITAL ANOMALIES-MENTAL RETARDATION SYNDROME; Zhu-Tokita-Takenouchi-Kim Syndrome. Identifiers: Orphanet 500150, MedGen C4310696, MONDO:0014936, OMIM 617140.

Submission:

Victorian Clinical Genetics Services, Murdoch Childrens Research Institute
Classification: Pathogenic for ZTTK syndrome. Last evaluated: 2022-02-02. Review status: criteria provided, single submitter. Criteria: ACMG Guidelines, 2015. Collection method: clinical testing. Allele origin: germline. Inheritance: Autosomal dominant inheritance.
Comment: Based on the classification scheme VCGS_Germline_v1.3.4, this variant is classified as Pathogenic. Following criteria are met: 0102 - Loss of function is a known mechanism of disease in this gene and is associated with ZTTK syndrome (MIM#617140). (I) 0107 - This gene is associated with autosomal dominant disease. (I) 0201 - Variant is predicted to cause nonsense-mediated decay (NMD) and loss of protein (premature termination codon is located at least 54 nucleotides upstream of the final exon-exon junction). (SP) 0251 - This variant is heterozygous. (I) 0301 - Variant is absent from gnomAD (both v2 and v3). (SP) 0701 - Other premature termination variants comparable to the one identified in this case have very strong previous evidence for pathogenicity. Many NMD-predicted variants in this gene have been reported as likely pathogenic/pathogenic (ClinVar). (SP) 0807 - This variant has no previous evidence of pathogenicity. (I) 0905 - No published segregation evidence has been identified for this variant. (I) 1007 - No published functional evidence has been identified for this variant. (I) 1204 - This variant has been shown to be de novo in the proband (parental status not tested but assumed) (Prof. I. Scheffer, research finding). (SP) Legend: (SP) - Supporting pathogenic, (I) - Information, (SB) - Supporting benign

NM_138927.4(SON):c.2357_2358dup (p.Ala787Ter)

Gene: SON (SON DNA and RNA binding protein; plus strand). Cytogenetic location: 21q22.11.
Variant type: Duplication.
Coding change: c.2357_2358dup on transcript NM_138927.4 (MANE Select); coding-DNA positions 2357 to 2358, 2 bases duplicated (TA; older notation c.2357_2358dupTA).
Protein change: p.Ala787Ter; replaces alanine 787 with a stop codon.
Molecular consequence: nonsense. On other transcripts: non-coding transcript variant (1), intron variant (1).
Genome position (GRCh38, 1-based): chr21:33,551,588-33,551,589, TA duplicated. VCF-style (leftmost placement, unchanged base first): chr21-33551587-T-TTA. GRCh37 (hg19) VCF-style: chr21-34923893-T-TTA.
Other names: c.2357_2358dup, p.Ala787Ter (NM_001291411.2, NM_032195.3); c.244+5209_244+5210dup (NM_001291412.3); short protein forms A787*.
Identifiers: ClinVar variation 1699464 (VCV001699464.3), dbSNP rs2145823461, ClinGen allele CA2573131709.